The following is an entry in ClinVar:

NM_182961.4(SYNE1):c.1700C>G (p.Ala567Gly)

Gene: SYNE1 (spectrin repeat containing nuclear envelope protein 1; minus strand). Cytogenetic location: 6q25.2.
Variant type: single nucleotide variant.
Coding change: c.1700C>G on transcript NM_182961.4 (MANE Select); coding-DNA position 1700, C replaced by G.
Protein change: p.Ala567Gly; replaces alanine 567 with glycine.
Molecular consequence: missense variant.
Genome position (GRCh38, 1-based): chr6:152,466,011, G>C on the plus strand (C>G on the coding strand, the complement: SYNE1 is on the minus strand). VCF-style: chr6-152466011-G-C. GRCh37 (hg19) VCF-style: chr6-152787146-G-C.
Other names: c.1721C>G, p.Ala574Gly (NM_033071.5); short protein forms A574G, A567G.
Identifiers: ClinVar variation 3571898 (VCV003571898.1).

ClinVar aggregate classification (germline): Uncertain significance (1 of 4 stars; one submission).

gnomAD v4.1: 1 of 1,612,656 alleles (0.000062%); highest among the groups gnomAD compares: Admixed American, 0.0017%; no homozygotes.

Submission:

Athena Diagnostics
Classification: Uncertain significance. Last evaluated: 2023-11-07. Review status: criteria provided, single submitter. Criteria: Athena Diagnostics Criteria. Collection method: clinical testing. Allele origin: unknown.
Comment: Available data are insufficient to determine the clinical significance of the variant at this time. The frequency of this variant in the general population is uninformative in assessment of its pathogenicity. Computational tools disagree on the variant's effect on normal protein function.